The following is an entry in ClinVar:

NM_005045.4(RELN):c.8732G>A (p.Gly2911Asp)

Genes: RELN (reelin; minus strand), SLC26A5-AS1 (SLC26A5 antisense RNA 1; plus strand). Cytogenetic location: 7q22.1.
Variant type: single nucleotide variant.
Coding change: c.8732G>A on transcript NM_005045.4 (MANE Select); coding-DNA position 8732, G replaced by A.
Protein change: p.Gly2911Asp; replaces glycine 2911 with aspartic acid.
Molecular consequence: missense variant.
Genome position (GRCh38, 1-based): chr7:103,498,188, C>T on the plus strand (G>A on the coding strand, the complement: RELN is on the minus strand). VCF-style: chr7-103498188-C-T. GRCh37 (hg19) VCF-style: chr7-103138635-C-T.
Other names: c.8732G>A, p.Gly2911Asp (NM_173054.3); short protein forms G2911D.
Identifiers: ClinVar variation 3758558 (VCV003758558.2).

ClinVar aggregate classification (germline): Uncertain significance (1 of 4 stars; one submission).

Conditions:
Norman-Roberts syndrome (LIS2). Also called: Lissencephaly 2 (Norman-Roberts type). Identifiers: Orphanet 89844, MedGen C0796089, MONDO:0009760, OMIM 257320.
Familial temporal lobe epilepsy 7. Identifiers: Orphanet 101046, MedGen C4225327, MONDO:0014639, OMIM 616436.

Submission:

Labcorp Genetics (formerly Invitae), Labcorp
Classification: Uncertain significance for Familial temporal lobe epilepsy 7; Norman-Roberts syndrome. Last evaluated: 2024-12-23. Review status: criteria provided, single submitter. Criteria: Invitae Variant Classification Sherloc (09022015). Collection method: clinical testing. Allele origin: germline.
Comment: This sequence change replaces glycine, which is neutral and non-polar, with aspartic acid, which is acidic and polar, at codon 2911 of the RELN protein (p.Gly2911Asp). This variant is not present in population databases (gnomAD no frequency). This variant has not been reported in the literature in individuals affected with RELN-related conditions. Invitae Evidence Modeling of protein sequence and biophysical properties (such as structural, functional, and spatial information, amino acid conservation, physicochemical variation, residue mobility, and thermodynamic stability) indicates that this missense variant is not expected to disrupt RELN protein function with a negative predictive value of 80%. In summary, the available evidence is currently insufficient to determine the role of this variant in disease. Therefore, it has been classified as a Variant of Uncertain Significance.